The following is an entry in ClinVar:

NM_001244008.2(KIF1A):c.582C>A (p.Asp194Glu)

Gene: KIF1A (kinesin family member 1A; minus strand). Cytogenetic location: 2q37.3.
Variant type: single nucleotide variant.
Coding change: c.582C>A on transcript NM_001244008.2 (MANE Select); coding-DNA position 582, C replaced by A.
Protein change: p.Asp194Glu; replaces aspartic acid 194 with glutamic acid.
Molecular consequence: missense variant.
Genome position (GRCh38, 1-based): chr2:240,786,361, G>T on the plus strand (C>A on the coding strand, the complement: KIF1A is on the minus strand). VCF-style: chr2-240786361-G-T. GRCh37 (hg19) VCF-style: chr2-241725778-G-T.
Other names: c.582C>A, p.Asp194Glu (NM_001320705.2, NM_001330289.2, NM_001330290.2 and 20 more transcripts); short protein forms D194E.
Identifiers: ClinVar variation 3767793 (VCV003767793.1).

ClinVar aggregate classification (germline): Uncertain significance (1 of 4 stars; one submission).

Submission:

GeneDx
Classification: Uncertain significance. Last evaluated: 2024-09-08. Review status: criteria provided, single submitter. Criteria: GeneDx Variant Classification Process June 2021. Collection method: clinical testing. Allele origin: germline. Affected: yes.
Comment: Not observed at significant frequency in large population cohorts (gnomAD); In silico analysis supports that this missense variant has a deleterious effect on protein structure/function; Has not been previously published as pathogenic or benign to our knowledge; This variant is associated with the following publications: (PMID: 21376300, 21820098, 26125038)